The following is an entry in ClinVar:

NM_004183.4(BEST1):c.25G>C (p.Val9Leu)

Gene: BEST1 (bestrophin 1; plus strand). Cytogenetic location: 11q12.3.
Variant type: single nucleotide variant.
Coding change: c.25G>C on transcript NM_004183.4 (MANE Select); coding-DNA position 25, G replaced by C.
Protein change: p.Val9Leu; replaces valine 9 with leucine.
Molecular consequence: missense variant. On other transcripts: non-coding transcript variant (1), intron variant (6).
Genome position (GRCh38, 1-based): chr11:61,951,831, G>C. VCF-style: chr11-61951831-G-C. GRCh37 (hg19) VCF-style: chr11-61719303-G-C.
Other names: c.25G>C, p.Val9Leu (NM_001363592.2, NM_001440571.1, NM_001440572.1 and 1 more transcripts); c.-29+1404G>C (NM_001139443.3, NM_001300787.2, NM_001440574.1 and 3 more transcripts); short protein forms V9L.
Identifiers: ClinVar variation 1398748 (VCV001398748.9), dbSNP rs28940276, ClinGen allele CA380831065.

ClinVar aggregate classification (germline): Pathogenic/Likely pathogenic. Review status: criteria provided, multiple submitters, no conflicts (2 of 4 stars). 2 submissions from 2 submitters: Pathogenic (1); Likely pathogenic (1). Last evaluated 2022-07-19.

Conditions:
Retinal dystrophy. Also called: Inherited retinal dystrophy. Identifiers: Orphanet 71862, MedGen C0854723, MeSH D058499, MONDO:0019118, HP:0000556.

Submissions (2):

Labcorp Genetics (formerly Invitae), Labcorp
Classification: Pathogenic. Last evaluated: 2022-07-19. Review status: criteria provided, single submitter. Criteria: Invitae Variant Classification Sherloc (09022015). Collection method: clinical testing. Allele origin: germline.
Comment: For these reasons, this variant has been classified as Pathogenic. Algorithms developed to predict the effect of sequence changes on RNA splicing suggest that this variant may create or strengthen a splice site. Advanced modeling of protein sequence and biophysical properties (such as structural, functional, and spatial information, amino acid conservation, physicochemical variation, residue mobility, and thermodynamic stability) performed at Invitae indicates that this missense variant is expected to disrupt BEST1 protein function. ClinVar contains an entry for this variant (Variation ID: 1398748). This missense change has been observed in individuals with autosomal dominant BEST1-related conditions (PMID: 21269699, 21273940). This variant is not present in population databases (gnomAD no frequency). This sequence change replaces valine, which is neutral and non-polar, with leucine, which is neutral and non-polar, at codon 9 of the BEST1 protein (p.Val9Leu).

Institute of Human Genetics, Univ. Regensburg, Univ. Regensburg
Classification: Likely pathogenic for Retinal dystrophy. Last evaluated: 2021-01-01. Review status: criteria provided, single submitter. Criteria: ACMG Guidelines, 2015. Collection method: clinical testing. Allele origin: germline. Affected: yes.

Literature cited by the submitters: PubMed 21269699 (cited by Labcorp Genetics (formerly Invitae), Labcorp); PubMed 21273940 (cited by Labcorp Genetics (formerly Invitae), Labcorp and Institute of Human Genetics, Univ. Regensburg, Univ. Regensburg).